The following is an entry in ClinVar:

ClinVar aggregate classification (germline): Conflicting classifications of pathogenicity. Review status: criteria provided, conflicting classifications (1 of 4 stars). 11 submissions from 11 submitters: Uncertain significance (5); Benign (1); Likely benign (2). 3 of the submissions do not count toward it. Last evaluated 2026-02-01.

Conditions:
ROM1-related disorder. Also called: ROM1-related condition.
Retinal dystrophy. Also called: Inherited retinal dystrophy. Identifiers: Orphanet 71862, MedGen C0854723, MeSH D058499, MONDO:0019118, HP:0000556.
Retinitis pigmentosa (RP). Identifiers: Orphanet 791, MedGen C0035334, MeSH D012174, MONDO:0019200, OMIM 268000. Inheritance: Autosomal dominant, autosomal recessive and X linked inheritance.
Retinitis pigmentosa 7 (RP7). Identifiers: Orphanet 791, MedGen C1842475, MONDO:0011974, OMIM 608133.
Retinitis pigmentosa 7, digenic. Also called: Retinitis pigmentosa 7, digenic form. Identifiers: MedGen C2675552, MONDO:1060144.

Allele frequency attached by ClinVar (database versions not stated): gnomAD exomes 0.00033.

Submissions (11):

Labcorp Genetics (formerly Invitae), Labcorp
Classification: Likely benign. Last evaluated: 2026-02-01. Review status: criteria provided, single submitter. Criteria: Invitae Variant Classification Sherloc (09022015). Collection method: clinical testing. Allele origin: germline.

Women's Health and Genetics/Laboratory Corporation of America, LabCorp
Classification: Likely benign. Last evaluated: 2025-05-27. Review status: criteria provided, single submitter. Criteria: LabCorp Variant Classification Summary - May 2015. Collection method: clinical testing. Allele origin: germline.
Comment: Variant summary: ROM1 c.339dupG (p.Leu114AlafsX18) results in a premature termination codon, predicted to cause absence of the protein due to nonsense mediated decay, however current evidence is not sufficient to establish loss of function as a mechanism for disease. The variant allele was found at a frequency of 0.00072 in 1576808 control chromosomes, predominantly at a frequency of 0.0031 within the East Asian subpopulation in the gnomAD database. The observed variant frequency within East Asian control individuals in the gnomAD database exceeds the estimated maximal expected allele frequency for a pathogenic variant in ROM1 causing Retinitis Pigmentosa 7 phenotype. c.339dupG has been observed in individuals affected with Retinitis Pigmentosa or other inhertied retinal diseases (e.g., Kajiwara_1994, Bascom_1995, Yohe_2020, Panneman_2023, Hitti-Malin_2024). These reports do not provide unequivocal conclusions about association of the variant with Retinitis Pigmentosa 7. To our knowledge, no experimental evidence demonstrating an impact on protein function has been reported. The following publications have been ascertained in the context of this evaluation (PMID: 8202715, 31816670, 36819107, 8595413, 38540785). ClinVar contains an entry for this variant (Variation ID: 12998). Based on the evidence outlined above, the variant was classified as likely benign.

PreventionGenetics, part of Exact Sciences
Classification: Uncertain significance for ROM1-related condition. Last evaluated: 2025-03-28. Review status: criteria provided, single submitter. Criteria: ACMG Guidelines, 2015. Collection method: clinical testing. Allele origin: germline.
Comment: The ROM1 c.339dupG variant is predicted to result in a frameshift and premature protein termination (p.Leu114Alafs*18). This variant, in the heterozygous state, along with a PRPH2 c.554T>C (p.Leu185Pro) variant, has been reported to be causative for digenic retinitis pigmentosa (Sullivan. 2006. PubMed ID: 16799052, Table 3; Kajiwara et al. 1994. PubMed ID: 8202715, families #6285, #6935 and #5509; Dryja et al. 1997. PubMed ID: 9331261, family #0782). Kajiwara et al. showed that the individuals who are heterozygous carriers for either PRPH2 c.554T>C or ROM1 c.339dup were asymptomatic and affected patients were combined heterozygotes for PRPH2 and ROM1 variants. Mouse model studies also supported the digenic inheritance of RP (Kedzierski et al. 2001. PubMed ID: 11427722). Of note, protein truncating variants surrounding this region have been documented in individuals with autosomal dominant and digenic forms of retinal disorders (Zernant et al. 2022. PubMed ID: 35353811; Panneman et al. 2023. PubMed ID: 36819107). This variant is reported in 0.52% of alleles in individuals of East Asian descent in gnomAD, indicating this variant is relatively common. At this time, the clinical significance of this variant is uncertain due to the absence of conclusive functional and genetic evidence.

Blueprint Genetics
Classification: Uncertain significance. Last evaluated: 2024-11-19. Review status: criteria provided, single submitter. Criteria: ACMG Guidelines, 2015. Collection method: clinical testing. Allele origin: germline.

Dept Of Ophthalmology, Nagoya University
Classification: Benign for Retinal dystrophy. Last evaluated: 2023-10-01. Review status: criteria provided, single submitter. Criteria: Submitter's publication. Collection method: research. Allele origin: germline. Affected: yes.

CeGaT Center for Human Genetics Tuebingen
Classification: Uncertain significance. Last evaluated: 2023-07-01. Review status: criteria provided, single submitter. Criteria: CeGaT Center For Human Genetics Tuebingen Variant Classification Criteria Version 2. Collection method: clinical testing. Allele origin: germline. Affected: yes. Observed: 1 variant allele.

Genomic Research Center, Shahid Beheshti University of Medical Sciences
Classification: Uncertain significance for Retinitis pigmentosa 7. Last evaluated: 2020-05-03. Review status: criteria provided, single submitter. Criteria: ACMG Guidelines, 2015. Collection method: clinical testing. Allele origin: unknown. Affected: yes.

Centre for Mendelian Genomics, University Medical Centre Ljubljana
Classification: Uncertain significance for Retinitis pigmentosa. Last evaluated: 2019-08-19. Review status: criteria provided, single submitter. Criteria: ACMG Guidelines, 2015. Collection method: clinical testing. Allele origin: unknown. Affected: yes.
Comment: This variant was classified as: Uncertain significance. The available evidence on this variant's pathogenicity is insufficient or conflicting. The following ACMG criteria were applied in classifying this variant: PP5.

Institute of Human Genetics, Univ. Regensburg, Univ. Regensburg
Classification: Uncertain significance for Retinal dystrophy. Last evaluated: 2023-01-01. Review status: no assertion criteria provided. Criteria: ACMG Guidelines, 2015. Collection method: clinical testing. Allele origin: germline. Affected: yes. Not counted in ClinVar's aggregate classification.

OMIM
Classification: Pathogenic for RETINITIS PIGMENTOSA 7, DIGENIC. Last evaluated: 1994-06-10. Review status: no assertion criteria provided. Collection method: literature only. Allele origin: germline. Not counted in ClinVar's aggregate classification.

Department of Ophthalmology and Visual Sciences Kyoto University
Classification: Pathogenic for Retinitis pigmentosa. Review status: no assertion criteria provided. Collection method: not provided. Allele origin: unknown. Not counted in ClinVar's aggregate classification.
ClinVar note: Converted during submission from pathogenic to Pathogenic.

Literature cited by the submitters: PubMed 31816670 (cited by Women's Health and Genetics/Laboratory Corporation of America, LabCorp); PubMed 36819107 (cited by Women's Health and Genetics/Laboratory Corporation of America, LabCorp); PubMed 38540785 (cited by Women's Health and Genetics/Laboratory Corporation of America, LabCorp); PubMed 8595413 (cited by Women's Health and Genetics/Laboratory Corporation of America, LabCorp); PubMed 8202715 (cited by Women's Health and Genetics/Laboratory Corporation of America, LabCorp and OMIM).

NM_000327.4(ROM1):c.339dup (p.Leu114fs)

Gene: ROM1 (retinal outer segment membrane protein 1; plus strand). Cytogenetic location: 11q12.3.
Variant type: Duplication.
Coding change: c.339dup on transcript NM_000327.4 (MANE Select); coding-DNA position 339, one base duplicated (G; older notation c.339dupG).
Protein change: p.Leu114fs; shifts the reading frame from leucine 114.
Molecular consequence: frameshift variant.
Genome position (GRCh38, 1-based): chr11:62,613,620, G duplicated; the last of 9 consecutive G bases (chr11:62,613,612-62,613,620); duplicating any one gives the same sequence. VCF-style (leftmost placement, unchanged base first): chr11-62613611-T-TG. GRCh37 (hg19) VCF-style: chr11-62381083-T-TG.
Other names: c.339dupG (NM_000327.4, NM_000327.3); c.331dupG (NM_000327.3); short protein forms L114fs.
Identifiers: ClinVar variation 12998 (VCV000012998.47), dbSNP rs71458427, ClinGen allele CA270017.